The following is an entry in ClinVar:

ClinVar aggregate classification (germline): Uncertain significance. Review status: criteria provided, multiple submitters, no conflicts (2 of 4 stars). 2 submissions from 2 submitters: Uncertain significance (2). Last evaluated 2024-05-21.

Conditions:
Hereditary cancer-predisposing syndrome. Also called: Tumor predisposition; Neoplastic Syndromes, Hereditary; Hereditary Cancer Syndrome; Hereditary neoplastic syndrome. Identifiers: Orphanet 140162, MedGen C0027672, MeSH D009386, MONDO:0015356.
Juvenile polyposis syndrome (JPS). Identifiers: Orphanet 2929, MedGen C0345893, MONDO:0017380, OMIM 174900.

Submissions (2):

Labcorp Genetics (formerly Invitae), Labcorp
Classification: Uncertain significance for Juvenile polyposis syndrome. Last evaluated: 2024-05-21. Review status: criteria provided, single submitter. Criteria: Invitae Variant Classification Sherloc (09022015). Collection method: clinical testing. Allele origin: germline.
Comment: This sequence change replaces glycine, which is neutral and non-polar, with arginine, which is basic and polar, at codon 448 of the BMPR1A protein (p.Gly448Arg). This variant also falls at the last nucleotide of exon 11, which is part of the consensus splice site for this exon. This variant is not present in population databases (gnomAD no frequency). This variant has not been reported in the literature in individuals affected with BMPR1A-related conditions. ClinVar contains an entry for this variant (Variation ID: 1063788). An algorithm developed to predict the effect of missense changes on protein structure and function (PolyPhen-2) suggests that this variant is likely to be disruptive. Variants that disrupt the consensus splice site are a relatively common cause of aberrant splicing (PMID: 17576681, 9536098). Algorithms developed to predict the effect of sequence changes on RNA splicing suggest that this variant may disrupt the consensus splice site. In summary, the available evidence is currently insufficient to determine the role of this variant in disease. Therefore, it has been classified as a Variant of Uncertain Significance.

Ambry Genetics
Classification: Uncertain significance for Hereditary cancer-predisposing syndrome. Last evaluated: 2023-05-24. Review status: criteria provided, single submitter. Criteria: Ambry Variant Classification Scheme 2023. Collection method: clinical testing. Allele origin: germline.
Comment: The p.G448R variant (also known as c.1342G>A), located in coding exon 9 of the BMPR1A gene, results from a G to A substitution at nucleotide position 1342. The glycine at codon 448 is replaced by an arginine, an amino acid with dissimilar properties. However, this change occurs in the last base pair of coding exon 9 and may have some effect on normal mRNA splicing. This nucleotide position is highly conserved in available vertebrate species. In silico splice site analysis predicts that this alteration will weaken the native splice donor site; however, direct evidence is insufficient at this time (Ambry internal data). This amino acid position is highly conserved in available vertebrate species. In addition, as a missense substitution this alteration is predicted to be deleterious by in silico analysis. Since supporting evidence is limited at this time, the clinical significance of this alteration remains unclear.

Literature cited by the submitters: PubMed 17576681 (cited by Labcorp Genetics (formerly Invitae), Labcorp); PubMed 9536098 (cited by Labcorp Genetics (formerly Invitae), Labcorp).

NM_004329.3(BMPR1A):c.1342G>A (p.Gly448Arg)

Gene: BMPR1A (bone morphogenetic protein receptor type 1A; plus strand). Cytogenetic location: 10q23.2.
Variant type: single nucleotide variant.
Coding change: c.1342G>A on transcript NM_004329.3 (MANE Select); coding-DNA position 1342, G replaced by A.
Protein change: p.Gly448Arg; replaces glycine 448 with arginine.
Molecular consequence: missense variant.
Genome position (GRCh38, 1-based): chr10:86,921,695, G>A. VCF-style: chr10-86921695-G-A. GRCh37 (hg19) VCF-style: chr10-88681452-G-A.
Other names: c.1342G>A (NM_004329.2); short protein forms G448R.
Identifiers: ClinVar variation 1063788 (VCV001063788.11), dbSNP rs2133608943, ClinGen allele CA377462467.